The following is an entry in ClinVar:

Conditions:
Breast-ovarian cancer, familial, susceptibility to, 1 (BROVCA1). Also called: BRCA1 Hereditary Breast and Ovarian Cancer; OVARIAN CANCER, SUSCEPTIBILITY TO. Identifiers: Orphanet 145, MedGen C2676676, MONDO:0011450, OMIM 604370. Disease mechanism: loss of function.

Submission:

Brotman Baty Institute, University of Washington
No classification provided (evidence only). Condition: Breast-ovarian cancer, familial 1. Review status: no classification provided. Collection method: in vitro. Allele origin: not applicable. Functional consequence: functionally_normal.
ClinVar note: "not provided" was previously submitted as the classification for the variant. However, the classification appeared to be based only on an observation of functional data so it was converted to no classification on 2025-07-30.

NM_007294.4(BRCA1):c.5070A>C (p.Lys1690Asn)

Gene: BRCA1 (BRCA1 DNA repair associated; minus strand). Cytogenetic location: 17q21.31.
Variant type: single nucleotide variant.
Coding change: c.5070A>C on transcript NM_007294.4 (MANE Select); coding-DNA position 5070, A replaced by C.
Protein change: p.Lys1690Asn; replaces lysine 1690 with asparagine.
Molecular consequence: missense variant. On other transcripts: non-coding transcript variant (1).
Genome position (GRCh38, 1-based): chr17:43,067,612, T>G on the plus strand (A>C on the coding strand, the complement: BRCA1 is on the minus strand). VCF-style: chr17-43067612-T-G. GRCh37 (hg19) VCF-style: chr17-41219629-T-G.
Other names: c.4857A>C, p.Lys1619Asn (NM_001407571.1, NM_001407895.1, NM_001407896.1 and 12 more transcripts); c.5136A>C, p.Lys1712Asn (NM_001407581.1, NM_001407582.1); c.5133A>C, p.Lys1711Asn (NM_001407583.1, NM_001407585.1, NM_001407587.1 and 1 more transcripts); c.5130A>C, p.Lys1710Asn (NM_001407590.1, NM_001407591.1); c.5070A>C, p.Lys1690Asn (NM_001407593.1, NM_001407594.1, NM_001407596.1 and 8 more transcripts); c.5067A>C, p.Lys1689Asn (NM_001407610.1, NM_001407611.1, NM_001407612.1 and 17 more transcripts); c.5064A>C, p.Lys1688Asn (NM_001407627.1, NM_001407628.1, NM_001407629.1 and 14 more transcripts); c.5061A>C, p.Lys1687Asn (NM_001407644.1, NM_001407645.1); and 70 more; short protein forms K1643N, K1690N, K1711N, K586N, K1562N, K1579N, K1602N, K1642N.
Identifiers: ClinVar variation 868588 (VCV000868588.3), dbSNP rs2052157151, ClinGen allele CA10591380.